The following is an entry in ClinVar:

NM_000135.4(FANCA):c.2947A>T (p.Ile983Phe)

Gene: FANCA (FA complementation group A; minus strand). Cytogenetic location: 16q24.3.
Variant type: single nucleotide variant.
Coding change: c.2947A>T on transcript NM_000135.4 (MANE Select); coding-DNA position 2947, A replaced by T.
Protein change: p.Ile983Phe; replaces isoleucine 983 with phenylalanine.
Molecular consequence: missense variant.
Genome position (GRCh38, 1-based): chr16:89,758,611, T>A on the plus strand (A>T on the coding strand, the complement: FANCA is on the minus strand). VCF-style: chr16-89758611-T-A. GRCh37 (hg19) VCF-style: chr16-89825019-T-A.
Other names: c.2947A>T (NM_000135.2); c.2947A>T, p.Ile983Phe (NM_001286167.3); short protein forms I983F.
Identifiers: ClinVar variation 1522512 (VCV001522512.7), dbSNP rs375312389, ClinGen allele CA8251428.

ClinVar aggregate classification (germline): Uncertain significance. Review status: criteria provided, multiple submitters, no conflicts (2 of 4 stars). 2 submissions from 2 submitters: Uncertain significance (2). Last evaluated 2025-06-18.

Conditions:
Inborn genetic diseases. Identifiers: MedGen C0950123, MeSH D030342.
Fanconi anemia (FA). Also called: Fanconi's anemia. Identifiers: Orphanet 84, MedGen C0015625, MeSH D005199, MONDO:0019391.

Allele frequency attached by ClinVar (database versions not stated): gnomAD exomes below 0.00001; gnomAD 0.00001; ExAC 0.00002; ESP Exome Variant Server 0.00008.
gnomAD v4.1: 21 of 1,613,994 alleles (0.0013%); highest among the groups gnomAD compares: South Asian, 0.0088%; no homozygotes.

Submissions (2):

Ambry Genetics
Classification: Uncertain significance for Inborn genetic diseases. Last evaluated: 2025-06-18. Review status: criteria provided, single submitter. Criteria: Ambry Variant Classification Scheme 2023. Collection method: clinical testing. Allele origin: germline.

Labcorp Genetics (formerly Invitae), Labcorp
Classification: Uncertain significance for Fanconi anemia. Last evaluated: 2024-05-31. Review status: criteria provided, single submitter. Criteria: Invitae Variant Classification Sherloc (09022015). Collection method: clinical testing. Allele origin: germline.
Comment: This sequence change replaces isoleucine, which is neutral and non-polar, with phenylalanine, which is neutral and non-polar, at codon 983 of the FANCA protein (p.Ile983Phe). This variant is present in population databases (rs375312389, gnomAD 0.003%). This variant has not been reported in the literature in individuals affected with FANCA-related conditions. ClinVar contains an entry for this variant (Variation ID: 1522512). Advanced modeling of protein sequence and biophysical properties (such as structural, functional, and spatial information, amino acid conservation, physicochemical variation, residue mobility, and thermodynamic stability) performed at Invitae indicates that this missense variant is not expected to disrupt FANCA protein function with a negative predictive value of 80%. In summary, the available evidence is currently insufficient to determine the role of this variant in disease. Therefore, it has been classified as a Variant of Uncertain Significance.